The following is an entry in ClinVar:

ClinVar aggregate classification (germline): Conflicting classifications of pathogenicity. Review status: criteria provided, conflicting classifications (1 of 4 stars). 2 submissions from 2 submitters: Uncertain significance (1); Likely benign (1). Last evaluated 2025-03-17.

Allele frequency attached by ClinVar (database versions not stated): ExAC 0.00002; gnomAD 0.00004; gnomAD exomes 0.00004; TOPMed 0.00008; ESP Exome Variant Server 0.00015.

Submissions (2):

Labcorp Genetics (formerly Invitae), Labcorp
Classification: Uncertain significance. Last evaluated: 2025-03-17. Review status: criteria provided, single submitter. Criteria: Invitae Variant Classification Sherloc (09022015). Collection method: clinical testing. Allele origin: germline.
Comment: This sequence change replaces tryptophan, which is neutral and slightly polar, with arginine, which is basic and polar, at codon 94 of the GUCA1A protein (p.Trp94Arg). This variant is present in population databases (rs34415451, gnomAD 0.009%). This variant has not been reported in the literature in individuals affected with GUCA1A-related conditions. This missense change has been observed in at least one individual who was not affected with GUCA1A-related conditions (internal data). ClinVar contains an entry for this variant (Variation ID: 1436379). An algorithm developed to predict the effect of missense changes on protein structure and function (PolyPhen-2) suggests that this variant is likely to be disruptive. In summary, the available evidence is currently insufficient to determine the role of this variant in disease. Therefore, it has been classified as a Variant of Uncertain Significance.

Blueprint Genetics
Classification: Likely benign. Last evaluated: 2022-07-26. Review status: criteria provided, single submitter. Criteria: ACMG Guidelines, 2015. Collection method: clinical testing. Allele origin: germline.

NM_001384910.1(GUCA1A):c.280T>C (p.Trp94Arg)

Genes: GUCA1A (guanylate cyclase activator 1A; plus strand), GUCA1ANB-GUCA1A (GUCA1ANB-GUCA1A readthrough; plus strand). Cytogenetic location: 6p21.1.
Variant type: single nucleotide variant.
Coding change: c.280T>C on transcript NM_001384910.1 (MANE Select); coding-DNA position 280, T replaced by C.
Protein change: p.Trp94Arg; replaces tryptophan 94 with arginine.
Molecular consequence: missense variant.
Genome position (GRCh38, 1-based): chr6:42,178,358, T>C. VCF-style: chr6-42178358-T-C. GRCh37 (hg19) VCF-style: chr6-42146096-T-C.
Other names: c.280T>C, p.Trp94Arg (NM_000409.5, NM_001319061.2, NM_001319062.2); short protein forms W94R.
Identifiers: ClinVar variation 1436379 (VCV001436379.7), dbSNP rs34415451, ClinGen allele CA3805337.
Genomic context (GRCh38, chr6:42,178,358, plus strand): 5'-ATGGAGTACGTGGCAGCGCTCAGCTTGGTCCTCAAGGGGAAGGTGGAACAGAAGCTCCGC[T>C]GGTACTTCAAGCTCTATGATGTAGATGGCAACGGCTGCATTGACCGCGATGAGCTGCTCA-3'
Protein context (NP_001371839.1, residues 84-104): LKGKVEQKLR[Trp94Arg]YFKLYDVDGN